The following is an entry in ClinVar:

ClinVar aggregate classification (germline): Likely pathogenic. Review status: criteria provided, multiple submitters, no conflicts (2 of 4 stars). 5 submissions from 5 submitters: Likely pathogenic (4). 1 of the submissions does not count toward it. Last evaluated 2025-09-07.

Conditions:
Hemoglobinopathy. Also called: Hemoglobin disorder; Haemoglobinopathies. Identifiers: MedGen C0019045, MONDO:0044348.
beta Thalassemia (BTHAL). Also called: Cooley's anemia; Erythroblastic anemia; Mediterranean anemia. Identifiers: Orphanet 848, MedGen C0005283, MONDO:0019402. Disease mechanism: loss of function.
HEMOGLOBIN ZURICH.

Submissions (5):

Natera, Inc.
Classification: Likely pathogenic for Beta thalassemia. Last evaluated: 2025-09-07. Review status: criteria provided, single submitter. Criteria: Natera Variant Classification Schema (03/2026). Collection method: clinical testing. Allele origin: germline.
Comment: The c.191A>G variant in HBB is a missense variant predicted to cause substitution of histidine to arginine at amino acid 64. This variant is rare in the general population with a frequency below the threshold expected for the associated phenotype(s). This variant has been observed in one or more individuals affected with the associated recessive disease, as either homozygous or compound heterozygous with a second variant (PMID: 30900795). A different variant at the same position has been determined to be Pathogenic or Likely Pathogenic. Computational prediction algorithms indicate this variant is likely to affect gene or protein function. Given the available evidence, this variant is classified as Likely Pathogenic.

ARUP Laboratories, Molecular Genetics and Genomics, ARUP Laboratories
Classification: Likely pathogenic. Last evaluated: 2025-07-09. Review status: criteria provided, single submitter. Criteria: ARUP Molecular Germline Variant Investigation Process 2024. Collection method: clinical testing. Allele origin: germline.
Comment: The Hb Zurich variant (HBB: c.191A>G; p.His64Arg, also known as His63Arg when numbered from the mature protein, rs33985544, HbVar ID: 358) has been observed in the heterozygous state in asymptomatic individuals or associated with mild reticulocytosis (see HbVar database and references therein). This variant has been associated with episodes of severe drug-induced hemolytic anemia in patients after administration of oxidative drugs particularly sulfonamides (see HbVar, Aguinaga 1998, Miranda 1994). This variant has been reported as mildly unstable with increased oxygen affinity (Aguinaga 1998). This variant is reported in ClinVar (Variation ID: 15400) and is absent from the Genome Aggregation Database, indicating it is not a common polymorphism. The histidine at codon 64 is highly conserved, and computational analyses predict that this variant is deleterious (REVEL: 0.983). Based on available information, this variant is considered to be likely pathogenic. References: Link to HbVar database: Aguinaga MP et al. Molecular diagnosis and characterization of Hb ZÃ¼rich [beta63(E7)His-->Arg]] carriers in a Kentucky family. Hemoglobin. 1998 Sep-Nov;22(5-6):509-15. PMID: 9859934. Miranda SR et al. Identification of Hb ZÃ¼rich [alpha 2 beta 2(63)(E7)His-->Arg] by DNA analysis in a Brazilian family. Hemoglobin. 1994 Sep;18(4-5):337-41. PMID: 7852089.

Quest Diagnostics Nichols Institute San Juan Capistrano
Classification: Likely pathogenic. Last evaluated: 2025-06-23. Review status: criteria provided, single submitter. Criteria: Quest Diagnostics criteria. Collection method: clinical testing. Allele origin: unknown.
Comment: The HBB c.191A>G (p.His64Arg), also known as Hb Zurich, has been reported to be mildly unstable (HbVar). Individuals heterozygous for the Hb Zurich variant have been reported to be clinically normal or present with hemolytic anemia and hemolytic crisis induced by oxidative stress (PMID: 9859934 (1998), 7852089 (1994), HbVar). Assessment of experimental evidence suggests this variant results in abnormal protein function (PMID: 28011635 (2016), 9859934 (1998). This variant has not been reported in large, multi-ethnic general populations (Genome Aggregation Database). Analysis of this variant using bioinformatics tools for the prediction of the effect of amino acid changes on protein structure and function yielded predictions that this variant is damaging. Based on the available information, this variant is classified as likely pathogenic.

Women's Health and Genetics/Laboratory Corporation of America, LabCorp
Classification: Likely pathogenic for Hemoglobinopathy. Last evaluated: 2024-01-22. Review status: criteria provided, single submitter. Criteria: LabCorp Variant Classification Summary - May 2015. Collection method: clinical testing. Allele origin: germline.
Comment: Variant summary: HBB c.191A>G (p.His64Arg) results in a non-conservative amino acid change in the encoded protein sequence, altering a conserved residue (HGMD) in which another missense variant (p.His64Tyr) is classified as pathogenic. Five of five in-silico tools predict a damaging effect of the variant on protein function. The variant was absent in 251428 control chromosomes (gnomAD). c.191A>G has been reported in the literature in heterozygous individuals affected with hemolytic episodes, which was usually described as following sulfonamide treatment, as well as in healthy relatives (e.g. Huisman_1961, Frick_1962, Rieder_1965, Dickerman_1973, Murata_1982, Miranda_1994, Aguinaga_1998). It was also found in the compound heterozygous state with a pathogenic variant in an individual with a phenotype ressembling beta thalassemia intermedia (Yan_2019). These data indicate that the variant is likely associated with hemoglobinopathy in the heterozygous state which manifests as a drug-induced reaction, and may also be associated with disease in the compound heterozygous state with a beta thalassemia allele. Publications report experimental evidence evaluating an impact on protein function (Zinkham_1980, Aguinaga_1998), finding evidence of protein instability and increased carbon monoxide affinity. The following publications have been ascertained in the context of this evaluation (PMID: 6175783, 13716725, 14314237, 4749206, 13895148, 7852089, 9859934, 7384813, 30900795). ClinVar contains an entry for this variant (Variation ID: 15400). Based on the evidence outlined above, the variant was classified as likely pathogenic.

OMIM
Classification: other for HEMOGLOBIN ZURICH. Last evaluated: 1998-09-01. Review status: no assertion criteria provided. Collection method: literature only. Allele origin: germline. Not counted in ClinVar's aggregate classification.

Literature cited by the submitters: PubMed 30900795 (cited by Natera, Inc. and Women's Health and Genetics/Laboratory Corporation of America, LabCorp); PubMed 28011635 (cited by Quest Diagnostics Nichols Institute San Juan Capistrano); PubMed 7852089 (cited by 3 submitters); PubMed 19429541 (cited by Quest Diagnostics Nichols Institute San Juan Capistrano); PubMed 9859934 (cited by 3 submitters); PubMed 24055728 (cited by Quest Diagnostics Nichols Institute San Juan Capistrano); PubMed 6175783 (cited by Women's Health and Genetics/Laboratory Corporation of America, LabCorp); PubMed 4749206 (cited by Women's Health and Genetics/Laboratory Corporation of America, LabCorp); PubMed 13895148 (cited by Women's Health and Genetics/Laboratory Corporation of America, LabCorp and OMIM); PubMed 13716725 (cited by Women's Health and Genetics/Laboratory Corporation of America, LabCorp and OMIM); PubMed 14314237 (cited by Women's Health and Genetics/Laboratory Corporation of America, LabCorp and OMIM); PubMed 7384813 (cited by Women's Health and Genetics/Laboratory Corporation of America, LabCorp and OMIM); PubMed 13726693 (cited by OMIM); PubMed 1911375 (cited by OMIM); PubMed 439565 (cited by OMIM); PubMed 6849326 (cited by OMIM); PubMed 6578506 (cited by OMIM); PubMed 6859031 (cited by OMIM).

NM_000518.4(HBB):c.191A>G (p.His64Arg)

Genes: HBB (hemoglobin subunit beta; minus strand), LOC106099062 (HBB recombination region; plus strand), LOC107133510 (origin of replication at HBB; plus strand). Cytogenetic location: 11p15.4.
Variant type: single nucleotide variant.
Coding change: c.191A>G on transcript NM_000518.4; coding-DNA position 191, A replaced by G.
Protein change: p.His64Arg; replaces histidine 64 with arginine.
Molecular consequence: missense variant (on NM_000518.5).
Genome position (GRCh38, 1-based): chr11:5,226,701, T>C on the plus strand (A>G on the coding strand, the complement: HBB is on the minus strand). VCF-style: chr11-5226701-T-C. GRCh37 (hg19) VCF-style: chr11-5247931-T-C.
Other names: H63R; c.191A>G, p.His64Arg (NM_000518.5); short protein forms H64R.
Identifiers: ClinVar variation 15400 (VCV000015400.19), dbSNP rs33985544, ClinGen allele CA125255.